The following is an entry in ClinVar:

ClinVar aggregate classification (germline): Benign (1 of 4 stars; one submission).

Allele frequency attached by ClinVar (database versions not stated): gnomAD 0.08554 and 0.09140; 1000 Genomes Project 0.08626; TOPMed 0.09828.
gnomAD v4.1: 12,944 of 152,194 alleles (8.5%); highest among the groups gnomAD compares: African/African-American, 26%; 1,404 homozygotes.

Submission:

GeneDx
Classification: Benign. Last evaluated: 2018-06-14. Review status: criteria provided, single submitter. Criteria: GeneDx Variant Classification (06012015). Collection method: clinical testing. Allele origin: germline. Affected: yes.
Comment: This variant is considered likely benign or benign based on one or more of the following criteria: it is a conservative change, it occurs at a poorly conserved position in the protein, it is predicted to be benign by multiple in silico algorithms, and/or has population frequency not consistent with disease.

NM_014244.5(ADAMTS2):c.689-262T>A

Gene: ADAMTS2 (ADAM metallopeptidase with thrombospondin type 1 motif 2; minus strand). Cytogenetic location: 5q35.3.
Variant type: single nucleotide variant.
Coding change: c.689-262T>A on transcript NM_014244.5 (MANE Select); 262 bases into the intron before coding-DNA position 689, T replaced by A.
Molecular consequence: intron variant.
Genome position (GRCh38, 1-based): chr5:179,207,977, A>T on the plus strand (T>A on the coding strand, the complement: ADAMTS2 is on the minus strand). VCF-style: chr5-179207977-A-T. GRCh37 (hg19) VCF-style: chr5-178634978-A-T.
Other names: c.689-262T>A (NM_021599.4).
Identifiers: ClinVar variation 669917 (VCV000669917.1), dbSNP rs112729232, ClinGen allele CA12092389.